The following is an entry in ClinVar:

ClinVar aggregate classification (germline): Uncertain significance. Review status: criteria provided, multiple submitters, no conflicts (2 of 4 stars). 2 submissions from 2 submitters: Uncertain significance (2). Last evaluated 2024-10-02.

Conditions:
Inborn genetic diseases. Identifiers: MedGen C0950123, MeSH D030342.
Fanconi anemia (FA). Also called: Fanconi's anemia. Identifiers: Orphanet 84, MedGen C0015625, MeSH D005199, MONDO:0019391.

gnomAD v4.1: 1 of 1,614,260 alleles (0.000062%); no homozygotes.

Submissions (2):

Ambry Genetics
Classification: Uncertain significance for Inborn genetic diseases. Last evaluated: 2024-10-02. Review status: criteria provided, single submitter. Criteria: Ambry Variant Classification Scheme 2023. Collection method: clinical testing. Allele origin: germline.
Comment: The p.T1397K variant (also known as c.4190C>A), located in coding exon 42 of the FANCA gene, results from a C to A substitution at nucleotide position 4190. The threonine at codon 1397 is replaced by lysine, an amino acid with similar properties. This amino acid position is conserved. In addition, this alteration is predicted to be tolerated by in silico analysis. Based on the available evidence, the clinical significance of this variant remains unclear.

Labcorp Genetics (formerly Invitae), Labcorp
Classification: Uncertain significance for Fanconi anemia. Last evaluated: 2023-10-04. Review status: criteria provided, single submitter. Criteria: Invitae Variant Classification Sherloc (09022015). Collection method: clinical testing. Allele origin: germline.
Comment: This sequence change replaces threonine, which is neutral and polar, with lysine, which is basic and polar, at codon 1397 of the FANCA protein (p.Thr1397Lys). This variant is not present in population databases (gnomAD no frequency). This variant has not been reported in the literature in individuals affected with FANCA-related conditions. Advanced modeling of protein sequence and biophysical properties (such as structural, functional, and spatial information, amino acid conservation, physicochemical variation, residue mobility, and thermodynamic stability) has been performed at Invitae for this missense variant, however the output from this modeling did not meet the statistical confidence thresholds required to predict the impact of this variant on FANCA protein function. Algorithms developed to predict the effect of sequence changes on RNA splicing suggest that this variant may disrupt the consensus splice site. In summary, the available evidence is currently insufficient to determine the role of this variant in disease. Therefore, it has been classified as a Variant of Uncertain Significance.

NM_000135.4(FANCA):c.4190C>A (p.Thr1397Lys)

Genes: ZNF276 (zinc finger protein 276; plus strand), FANCA (FA complementation group A; minus strand). Cytogenetic location: 16q24.3.
Variant type: single nucleotide variant.
Coding change: c.4190C>A on transcript NM_000135.4 (MANE Select); coding-DNA position 4190, C replaced by A.
Protein change: p.Thr1397Lys; replaces threonine 1397 with lysine.
Molecular consequence: missense variant. On other transcripts: 3 prime UTR variant (2), non-coding transcript variant (4).
Genome position (GRCh38, 1-based): chr16:89,738,952, G>T on the plus strand (C>A on the coding strand, the complement: FANCA is on the minus strand). VCF-style: chr16-89738952-G-T. GRCh37 (hg19) VCF-style: chr16-89805360-G-T.
Other names: c.4194C>A, p.Asn1398Lys (NM_001286167.3); c.*706G>T (NM_001113525.2, NM_152287.4); short protein forms N1398K, T1397K.
Identifiers: ClinVar variation 2721366 (VCV002721366.4), dbSNP rs1235758124, ClinGen allele CA397483675.